The following is an entry in ClinVar:

NM_001142800.2(EYS):c.1740_1743del (p.Cys581fs)

Gene: EYS (EGF-like photoreceptor maintenance factor; minus strand). Cytogenetic location: 6q12.
Variant type: Deletion.
Coding change: c.1740_1743del on transcript NM_001142800.2 (MANE Select); coding-DNA positions 1740 to 1743, 4 bases deleted (TTGT; older notation c.1740_1743delTTGT).
Protein change: p.Cys581fs; shifts the reading frame from cysteine 581.
Molecular consequence: frameshift variant.
Genome position (GRCh38, 1-based): chr6:65,335,003-65,335,006, ACAA deleted on the plus strand (TTGT on the coding strand, the reverse complement: EYS is on the minus strand); deleting any 4 consecutive bases within chr6:65,335,003-65,335,009 gives the same sequence; the c. name uses the placement nearest the transcript's 3' end. VCF-style (leftmost placement, unchanged base first): chr6-65335002-TACAA-T. GRCh37 (hg19) VCF-style: chr6-66044895-TACAA-T.
Other names: c.1740_1743del, p.Cys581fs (NM_001142801.2, NM_001292009.2, NM_198283.2); short protein forms C581fs.
Identifiers: ClinVar variation 5004515 (VCV005004515.3).
Genomic context (GRCh38, chr6:65,335,002, plus strand): 5'-GATATGTGATATTATCTGCTCAAATGATACATAAATACCTGGGTCTATTAATTTCATCTT[TACAA>T]ACAGCTTCATGTTGACACTCATTTTCTTGATCATCAGTTGTATTTTCCAGATACATGTTG-3'

ClinVar aggregate classification (germline): Pathogenic/Likely pathogenic. Review status: criteria provided, multiple submitters, no conflicts (2 of 4 stars). 2 submissions from 2 submitters: Pathogenic (1); Likely pathogenic (1). Last evaluated 2026-03-05.

Conditions:
Retinitis pigmentosa 25 (RP25). Identifiers: Orphanet 791, MedGen C1864446, MONDO:0011272, OMIM 602772.

Submissions (2):

Myriad Genetics, Inc.
Classification: Pathogenic for Retinitis pigmentosa 25. Last evaluated: 2026-03-05. Review status: criteria provided, single submitter. Criteria: Myriad Autosomal Dominant, Autosomal Recessive and X-Linked Classification Criteria (2023). Collection method: clinical testing. Allele origin: unknown.
Comment: NM_001142800.1(EYS):c.1740_1743delTTGT(C581Kfs*28) is a frameshift variant classified as pathogenic in the context of retinitis pigmentosa, EYS-related. C581Kfs*28 has not been observed in cases with relevant disease. Relevant functional assessments of this variant are not available in the literature. C581Kfs*28 has not been observed in referenced population frequency databases. In summary, NM_001142800.1(EYS):c.1740_1743delTTGT(C581Kfs*28) is a frameshift variant in a gene where loss of function is a known mechanism of disease and is predicted to disrupt protein function. Please note: this variant was assessed in the context of healthy population screening.

Juno Genomics, Hangzhou Juno Genomics, Inc
Classification: Likely pathogenic for Retinitis pigmentosa 25. Review status: criteria provided, single submitter. Criteria: ACMG Guidelines, 2015. Collection method: clinical testing. Allele origin: germline.
Comment: Absent from controls (or at extremely low frequency if recessive) in Genome Aggregation Database.;Null variant in a gene where loss of function (LOF) is a known mechanism of disease.